The following is an entry in ClinVar:

ClinVar aggregate classification (germline): Uncertain significance (1 of 4 stars; one submission).

Conditions:
Marfan syndrome (MFS). Also called: MARFAN SYNDROME, TYPE I; Marfan syndrome type 1; Marfan's syndrome; Marfan syndrome, classic; FBN1-Related Marfan Syndrome. Identifiers: Orphanet 284963, Orphanet 558, MedGen C0024796, MONDO:0007947, OMIM 154700.
Familial thoracic aortic aneurysm and aortic dissection (TAAD). Also called: Thoracic aortic aneurysms and dissections. Identifiers: Orphanet 91387, MedGen C4707243, MONDO:0019625.

Submission:

Labcorp Genetics (formerly Invitae), Labcorp
Classification: Uncertain significance for Marfan syndrome; Familial thoracic aortic aneurysm and aortic dissection. Last evaluated: 2024-08-31. Review status: criteria provided, single submitter. Criteria: Invitae Variant Classification Sherloc (09022015). Collection method: clinical testing. Allele origin: germline.
Comment: This sequence change replaces serine, which is neutral and polar, with threonine, which is neutral and polar, at codon 1438 of the FBN1 protein (p.Ser1438Thr). This variant is not present in population databases (gnomAD no frequency). This variant has not been reported in the literature in individuals affected with FBN1-related conditions. Invitae Evidence Modeling of protein sequence and biophysical properties (such as structural, functional, and spatial information, amino acid conservation, physicochemical variation, residue mobility, and thermodynamic stability) indicates that this missense variant is not expected to disrupt FBN1 protein function with a negative predictive value of 95%. In summary, the available evidence is currently insufficient to determine the role of this variant in disease. Therefore, it has been classified as a Variant of Uncertain Significance.

NM_000138.5(FBN1):c.4313G>C (p.Ser1438Thr)

Genes: FBN1 (fibrillin 1; minus strand), LOC126862124 (CDK7 strongly-dependent group 2 enhancer GRCh37_chr15:48764566-48765765; plus strand). Cytogenetic location: 15q21.1.
Variant type: single nucleotide variant.
Coding change: c.4313G>C on transcript NM_000138.5 (MANE Select); coding-DNA position 4313, G replaced by C.
Protein change: p.Ser1438Thr; replaces serine 1438 with threonine.
Molecular consequence: missense variant.
Genome position (GRCh38, 1-based): chr15:48,472,574, C>G on the plus strand (G>C on the coding strand, the complement: FBN1 is on the minus strand). VCF-style: chr15-48472574-C-G. GRCh37 (hg19) VCF-style: chr15-48764771-C-G.
Other names: c.4313G>C, p.Ser1438Thr (NM_001406716.1); short protein forms S1438T.
Identifiers: ClinVar variation 3754073 (VCV003754073.2).
Genomic context (GRCh38, chr15:48,472,574, plus strand): 5'-GCCCAGCAAGGCTCCCAGTGGCTTCCCCATCAGTTACCTTCACAGGCTTTCCCGTCAGCA[C>G]TGGGCACGAAGCCCATGTCGCATTCACAGCGGTATCCTCCTGGTGCATTGAGGCACTGGC-3'
Protein context (NP_000129.3, residues 1428-1448): RCECDMGFVP[Ser1438Thr]ADGKACEDID